The following is an entry in ClinVar:

ClinVar aggregate classification (germline): Pathogenic (1 of 4 stars; one submission).

gnomAD v4.1: 8 of 1,613,966 alleles (0.0005%); highest among the groups gnomAD compares: Admixed American, 0.01%; no homozygotes.

Submission:

Labcorp Genetics (formerly Invitae), Labcorp
Classification: Pathogenic. Last evaluated: 2025-05-19. Review status: criteria provided, single submitter. Criteria: Invitae Variant Classification Sherloc (09022015). Collection method: clinical testing. Allele origin: germline.
Comment: This sequence change creates a premature translational stop signal (p.Glu1293*) in the LAMB1 gene. It is expected to result in an absent or disrupted protein product. Loss-of-function variants in LAMB1 are known to be pathogenic (PMID: 23472759, 25925986). This variant is present in population databases (no rsID available, gnomAD 0.003%). This variant has not been reported in the literature in individuals affected with LAMB1-related conditions. ClinVar contains an entry for this variant (Variation ID: 3715156). For these reasons, this variant has been classified as Pathogenic.

Literature cited by the submitters: PubMed 23472759; PubMed 25925986.

NM_002291.3(LAMB1):c.3877G>T (p.Glu1293Ter)

Gene: LAMB1 (laminin subunit beta 1; minus strand). Cytogenetic location: 7q31.1.
Variant type: single nucleotide variant.
Coding change: c.3877G>T on transcript NM_002291.3 (MANE Select); coding-DNA position 3877, G replaced by T.
Protein change: p.Glu1293Ter; replaces glutamic acid 1293 with a stop codon.
Molecular consequence: nonsense.
Genome position (GRCh38, 1-based): chr7:107,937,162, C>A on the plus strand (G>T on the coding strand, the complement: LAMB1 is on the minus strand). VCF-style: chr7-107937162-C-A. GRCh37 (hg19) VCF-style: chr7-107577607-C-A.
Other names: short protein forms E1293*.
Identifiers: ClinVar variation 3715156 (VCV003715156.2).